The following is an entry in ClinVar:

NM_173176.3(PTK2B):c.494G>A (p.Arg165His)

Gene: PTK2B (protein tyrosine kinase 2 beta; plus strand). Cytogenetic location: 8p21.2.
Variant type: single nucleotide variant.
Coding change: c.494G>A on transcript NM_173176.3 (MANE Select); coding-DNA position 494, G replaced by A.
Protein change: p.Arg165His; replaces arginine 165 with histidine.
Molecular consequence: missense variant.
Genome position (GRCh38, 1-based): chr8:27,422,326, G>A. VCF-style: chr8-27422326-G-A. GRCh37 (hg19) VCF-style: chr8-27279843-G-A.
Other names: c.494G>A, p.Arg165His (NM_004103.4, NM_173174.3, NM_173175.2); c.494G>A (NM_173174.2); short protein forms R165H.
Identifiers: ClinVar variation 2658498 (VCV002658498.25), dbSNP rs768558812, ClinGen allele CA4688283.
Genomic context (GRCh38, chr8:27,422,326, plus strand): 5'-AGGGTGCAAGCCTGATGCTTGACCTTTCTCCCCACCAGCTCCGGAACGACTACATGCAGC[G>A]CTACGCCAGCAAGGTCAGCGAGGGCATGGCCCTGCAGCTGGGCTGCCTGGAGCTCAGGTA-3'
Protein context (NP_775268.1, residues 155-175): YQQLRNDYMQ[Arg165His]YASKVSEGMA

ClinVar aggregate classification (germline): Conflicting classifications of pathogenicity. Review status: criteria provided, conflicting classifications (1 of 4 stars). 2 submissions from 2 submitters: Uncertain significance (1); Likely benign (1). Last evaluated 2025-01-08.

Allele frequency attached by ClinVar (database versions not stated): gnomAD 0.00001; ExAC 0.00002; gnomAD exomes 0.00002; TOPMed 0.00002.
gnomAD v4.1: 33 of 1,613,624 alleles (0.002%); highest among the groups gnomAD compares: Non-Finnish European, 0.0017%; no homozygotes.

Submissions (2):

Ambry Genetics
Classification: Uncertain significance. Last evaluated: 2025-01-08. Review status: criteria provided, single submitter. Criteria: Ambry Variant Classification Scheme 2023. Collection method: clinical testing. Allele origin: germline.

CeGaT Center for Human Genetics Tuebingen
Classification: Likely benign. Last evaluated: 2022-03-01. Review status: criteria provided, single submitter. Criteria: CeGaT Center For Human Genetics Tuebingen Variant Classification Criteria Version 2. Collection method: clinical testing. Allele origin: germline. Affected: yes. Observed: 1 variant allele.
Comment: PTK2B: BP4